The following is an entry in ClinVar:

NC_000002.11:g.(?_47132602)_(47206066_?)del

Genes: MCFD2 (multiple coagulation factor deficiency 2, ER cargo receptor complex subunit; minus strand), TTC7A (tetratricopeptide repeat domain 7A; plus strand). Cytogenetic location: 2p21.
Variant type: Deletion.
Identifiers: ClinVar variation 2426554 (VCV002426554.5).

ClinVar aggregate classification (germline): Pathogenic (1 of 4 stars; one submission).

Conditions:
Multiple gastrointestinal atresias. Also called: FAMILIAL INTESTINAL POLYATRESIA SYNDROME; Multiple intestinal atresia. Identifiers: Orphanet 2300, MedGen C0220744, MONDO:0009465.

Submission:

Labcorp Genetics (formerly Invitae), Labcorp
Classification: Pathogenic for Multiple gastrointestinal atresias. Last evaluated: 2022-01-15. Review status: criteria provided, single submitter. Criteria: Invitae Variant Classification Sherloc (09022015). Collection method: clinical testing. Allele origin: germline.
Comment: For these reasons, this variant has been classified as Pathogenic. This variant is a gross deletion of the genomic region encompassing exon(s) 1-5 of the TTC7A gene, which includes the initiator codon. This deletion extends beyond the assayed region for this gene and therefore may encompass additional genes. It is expected to result in an absent or disrupted protein product. Loss-of-function variants in TTC7A are known to be pathogenic (PMID: 23830146, 24292712). This variant has not been reported in the literature in individuals affected with TTC7A-related conditions.

Literature cited by the submitters: PubMed 23830146; PubMed 24292712.